The following is an entry in ClinVar:

NM_001008537.3(NEXMIF):c.3485C>T (p.Pro1162Leu)

Gene: NEXMIF (neurite extension and migration factor; minus strand). Cytogenetic location: Xq13.3.
Variant type: single nucleotide variant.
Coding change: c.3485C>T on transcript NM_001008537.3 (MANE Select); coding-DNA position 3485, C replaced by T.
Protein change: p.Pro1162Leu; replaces proline 1162 with leucine.
Molecular consequence: missense variant.
Genome position (GRCh38, 1-based): chrX:74,741,072, G>A on the plus strand (C>T on the coding strand, the complement: NEXMIF is on the minus strand). VCF-style: chrX-74741072-G-A. GRCh37 (hg19) VCF-style: chrX-73960907-G-A.
Other names: short protein forms P1162L.
Identifiers: ClinVar variation 1305753 (VCV001305753.2), dbSNP rs2147439423, ClinGen allele CA413665734.

ClinVar aggregate classification (germline): Uncertain significance (1 of 4 stars; one submission).

Submission:

GeneDx
Classification: Uncertain significance. Last evaluated: 2020-04-10. Review status: criteria provided, single submitter. Criteria: GeneDx Variant Classification Process June 2021. Collection method: clinical testing. Allele origin: germline. Affected: yes.
Comment: Not observed in large population cohorts (Lek et al., 2016); In silico analysis, which includes protein predictors and evolutionary conservation, supports a deleterious effect; Has not been previously published as pathogenic or benign to our knowledge